The following is an entry in ClinVar:

NM_001365999.1(SZT2):c.5872C>T (p.Arg1958Ter)

Gene: SZT2 (SZT2 subunit of KICSTOR complex; plus strand). Cytogenetic location: 1p34.2.
Variant type: single nucleotide variant.
Coding change: c.5872C>T on transcript NM_001365999.1 (MANE Select); coding-DNA position 5872, C replaced by T.
Protein change: p.Arg1958Ter; replaces arginine 1958 with a stop codon.
Molecular consequence: nonsense.
Genome position (GRCh38, 1-based): chr1:43,434,453, C>T. VCF-style: chr1-43434453-C-T. GRCh37 (hg19) VCF-style: chr1-43900124-C-T.
Other names: c.5701C>T, p.Arg1901Ter (NM_015284.4); short protein forms R1901*, R1958*.
Identifiers: ClinVar variation 620537 (VCV000620537.17), dbSNP rs145577757, ClinGen allele CA21641377.

ClinVar aggregate classification (germline): Pathogenic/Likely pathogenic. Review status: criteria provided, multiple submitters, no conflicts (2 of 4 stars). 5 submissions from 5 submitters: Pathogenic (3); Likely pathogenic (2). Last evaluated 2025-11-02.

Conditions:
Inborn genetic diseases. Identifiers: MedGen C0950123, MeSH D030342.
Developmental and epileptic encephalopathy, 18 (DEE18). Also called: Early infantile epileptic encephalopathy 18. Identifiers: Orphanet 369894, MedGen C3809624, MONDO:0014201, OMIM 615476.

Allele frequency attached by ClinVar (database versions not stated): TOPMed 0.00002; gnomAD 0.00003.

Submissions (5):

Labcorp Genetics (formerly Invitae), Labcorp
Classification: Pathogenic. Last evaluated: 2025-11-02. Review status: criteria provided, single submitter. Criteria: Invitae Variant Classification Sherloc (09022015). Collection method: clinical testing. Allele origin: germline.
Comment: This sequence change creates a premature translational stop signal (p.Arg1901*) in the SZT2 gene. It is expected to result in an absent or disrupted protein product. Loss-of-function variants in SZT2 are known to be pathogenic (PMID: 23932106, 27248490, 28556953). The frequency data for this variant in the population databases is considered unreliable, as metrics indicate poor data quality at this position in the gnomAD database. This variant has not been reported in the literature in individuals affected with SZT2-related conditions. ClinVar contains an entry for this variant (Variation ID: 620537). Algorithms developed to predict the effect of sequence changes on RNA splicing suggest that this variant may disrupt the consensus splice site. For these reasons, this variant has been classified as Pathogenic.

GeneDx
Classification: Likely pathogenic. Last evaluated: 2024-04-08. Review status: criteria provided, single submitter. Criteria: GeneDx Variant Classification Process June 2021. Collection method: clinical testing. Allele origin: germline. Affected: yes.
Comment: Nonsense variant predicted to result in protein truncation or nonsense mediated decay in a gene for which loss of function is a known mechanism of disease; Not observed at significant frequency in large population cohorts (gnomAD); Has not been previously published as pathogenic or benign to our knowledge

Genome-Nilou Lab
Classification: Likely pathogenic for Developmental and epileptic encephalopathy, 18. Last evaluated: 2023-04-11. Review status: criteria provided, single submitter. Criteria: ACMG Guidelines, 2015. Collection method: clinical testing. Allele origin: germline. Affected: no.

Ambry Genetics
Classification: Pathogenic for Inborn genetic diseases. Last evaluated: 2021-05-05. Review status: criteria provided, single submitter. Criteria: Ambry Variant Classification Scheme 2023. Collection method: clinical testing. Allele origin: germline.
Comment: The c.5701C>T (p.R1901*) alteration, located in exon 40 (coding exon 40) of the SZT2 gene, consists of a C to T substitution at nucleotide position 5701. This changes the amino acid from an arginine (R) to a stop codon at amino acid position 1901. This alteration is expected to result in loss of function by premature protein truncation or nonsense-mediated mRNA decay. Based on data from the Genome Aggregation Database (gnomAD) database, the SZT2 c.5701C>T alteration was observed in <0.01% (2/221402) of total alleles studied. Based on the available evidence, this alteration is classified as pathogenic.

Genetic Services Laboratory, University of Chicago
Classification: Pathogenic. Last evaluated: 2018-03-07. Review status: criteria provided, single submitter. Criteria: ACMG Guidelines, 2015. Collection method: clinical testing. Allele origin: germline. Affected: yes.

Literature cited by the submitters: PubMed 23932106 (cited by Labcorp Genetics (formerly Invitae), Labcorp); PubMed 27248490 (cited by Labcorp Genetics (formerly Invitae), Labcorp); PubMed 28556953 (cited by Labcorp Genetics (formerly Invitae), Labcorp).